The following is an entry in ClinVar:

NM_014112.5(TRPS1):c.2793dup (p.Ala932fs)

Gene: TRPS1 (transcriptional repressor GATA binding 1; minus strand). Cytogenetic location: 8q23.3.
Variant type: Duplication.
Coding change: c.2793dup on transcript NM_014112.5 (MANE Select); coding-DNA position 2793, one base duplicated (C; older notation c.2793dupC).
Protein change: p.Ala932fs; shifts the reading frame from alanine 932.
Molecular consequence: frameshift variant.
Genome position (GRCh38, 1-based): chr8:115,418,360, G duplicated on the plus strand (C on the coding strand, the reverse complement: TRPS1 is on the minus strand). VCF-style (leftmost placement, unchanged base first): chr8-115418359-C-CG. GRCh37 (hg19) VCF-style: chr8-116430587-C-CG.
Other names: c.2766dup, p.Ala923fs (NM_001282902.3); c.2772dup, p.Ala925fs (NM_001282903.3); c.2754dup, p.Ala919fs (NM_001330599.2); short protein forms A919fs, A923fs, A925fs, A932fs.
Identifiers: ClinVar variation 3754579 (VCV003754579.2).
Genomic context (GRCh38, chr8:115,418,359, plus strand): 5'-CTTTTCCTGAAAGAGTGGAACAAGTTCTTACCGAGTGAAGCTTCTGGTAGAGGCCACACG[C>CG]GTTGCATACATATCCGCCATTTGCATTCTTTCGCCAGAGAGAGGTCTTTGTGGTCAGGCA-3'

ClinVar aggregate classification (germline): Pathogenic (1 of 4 stars; one submission).

Conditions:
Trichorhinophalangeal dysplasia type I (TRPS1). Also called: TRICHORHINOPHALANGEAL SYNDROME, TYPE I; TRPS I. Identifiers: Orphanet 77258, MedGen C0432233, MONDO:0008596, OMIM 190350.
Trichorhinophalangeal syndrome, type III (TRPS3). Also called: SUGIO-KAJII SYNDROME. Identifiers: Orphanet 77258, MedGen C1860823, OMIM 190351, MONDO:0008597.

Submission:

Labcorp Genetics (formerly Invitae), Labcorp
Classification: Pathogenic for Trichorhinophalangeal syndrome, type III; Trichorhinophalangeal dysplasia type I. Last evaluated: 2024-05-31. Review status: criteria provided, single submitter. Criteria: Invitae Variant Classification Sherloc (09022015). Collection method: clinical testing. Allele origin: germline.
Comment: This sequence change creates a premature translational stop signal (p.Ala932Argfs*19) in the TRPS1 gene. While this is not anticipated to result in nonsense mediated decay, it is expected to disrupt the last 363 amino acid(s) of the TRPS1 protein. This variant is not present in population databases (gnomAD no frequency). This variant has not been reported in the literature in individuals affected with TRPS1-related conditions. This variant disrupts a region of the TRPS1 protein in which other variant(s) (p.Cys1233Tyr) have been determined to be pathogenic (PMID: 31884116; Invitae). This suggests that this is a clinically significant region of the protein, and that variants that disrupt it are likely to be disease-causing. For these reasons, this variant has been classified as Pathogenic.

Literature cited by the submitters: PubMed 31884116.